The following is an entry in ClinVar:

ClinVar aggregate classification (germline): Uncertain significance (1 of 4 stars; one submission).

gnomAD v4.1: 5 of 1,589,760 alleles (0.00031%); highest among the groups gnomAD compares: Non-Finnish European, 0.00043%; no homozygotes.

Submission:

Ambry Genetics
Classification: Uncertain significance. Last evaluated: 2025-11-10. Review status: criteria provided, single submitter. Criteria: Ambry Variant Classification Scheme 2023. Collection method: clinical testing. Allele origin: germline.
Comment: The p.L248V variant (also known as c.742C>G), located in coding exon 3 of the GFI1 gene, results from a C to G substitution at nucleotide position 742. The leucine at codon 248 is replaced by valine, an amino acid with highly similar properties. This amino acid position is conserved. In addition, this alteration is predicted to be tolerated by in silico analysis. Based on the available evidence, the clinical significance of this variant remains unclear.

NM_005263.5(GFI1):c.742C>G (p.Leu248Val)

Gene: GFI1 (growth factor independent 1 transcriptional repressor; minus strand). Cytogenetic location: 1p22.1.
Variant type: single nucleotide variant.
Coding change: c.742C>G on transcript NM_005263.5 (MANE Select); coding-DNA position 742, C replaced by G.
Protein change: p.Leu248Val; replaces leucine 248 with valine.
Molecular consequence: missense variant.
Genome position (GRCh38, 1-based): chr1:92,480,645, G>C on the plus strand (C>G on the coding strand, the complement: GFI1 is on the minus strand). VCF-style: chr1-92480645-G-C. GRCh37 (hg19) VCF-style: chr1-92946202-G-C.
Other names: c.742C>G, p.Leu248Val (NM_001127215.3, NM_001127216.3); short protein forms L248V.
Identifiers: ClinVar variation 4671597 (VCV004671597.1).